The following is an entry in ClinVar:

ClinVar aggregate classification (germline): Uncertain significance (1 of 4 stars; one submission).

Conditions:
Encephalopathy, acute, infection-induced (herpes-specific), susceptibility to, 1. Also called: Herpes simplex encephalitis, susceptibility to, 1. Identifiers: Orphanet 1930, MedGen C2750180, MONDO:0024563, OMIM 610551.

Allele frequency attached by ClinVar (database versions not stated): TOPMed 0.00003; gnomAD exomes 0.00004 and 0.00008; ExAC 0.00011; gnomAD 0.00005.
gnomAD v4.1: 62 of 1,613,844 alleles (0.0038%); highest among the groups gnomAD compares: Non-Finnish European, 0.00068%; no homozygotes.

Submission:

Labcorp Genetics (formerly Invitae), Labcorp
Classification: Uncertain significance for Encephalopathy, acute, infection-induced (herpes-specific), susceptibility to, 1. Last evaluated: 2025-02-06. Review status: criteria provided, single submitter. Criteria: Invitae Variant Classification Sherloc (09022015). Collection method: clinical testing. Allele origin: germline.
Comment: This sequence change replaces aspartic acid, which is acidic and polar, with alanine, which is neutral and non-polar, at codon 153 of the TLR3 protein (p.Asp153Ala). This variant is present in population databases (rs755720044, gnomAD 0.2%), and has an allele count higher than expected for a pathogenic variant. This variant has not been reported in the literature in individuals affected with TLR3-related conditions. ClinVar contains an entry for this variant (Variation ID: 843486). An algorithm developed to predict the effect of missense changes on protein structure and function (PolyPhen-2) suggests that this variant is likely to be disruptive. In summary, the available evidence is currently insufficient to determine the role of this variant in disease. Therefore, it has been classified as a Variant of Uncertain Significance.

NM_003265.3(TLR3):c.458A>C (p.Asp153Ala)

Gene: TLR3 (toll like receptor 3; plus strand). Cytogenetic location: 4q35.1.
Variant type: single nucleotide variant.
Coding change: c.458A>C on transcript NM_003265.3 (MANE Select); coding-DNA position 458, A replaced by C.
Protein change: p.Asp153Ala; replaces aspartic acid 153 with alanine.
Molecular consequence: missense variant.
Genome position (GRCh38, 1-based): chr4:186,078,856, A>C. VCF-style: chr4-186078856-A-C. GRCh37 (hg19) VCF-style: chr4-187000010-A-C.
Other names: short protein forms D153A.
Identifiers: ClinVar variation 843486 (VCV000843486.10), dbSNP rs755720044, ClinGen allele CA3161230.